The following is an entry in ClinVar:

ClinVar aggregate classification (germline): Conflicting classifications of pathogenicity. Review status: criteria provided, conflicting classifications (1 of 4 stars). 2 submissions from 2 submitters: Uncertain significance (1); Likely benign (1). Last evaluated 2025-07-01.

Submissions (2):

CeGaT Center for Human Genetics Tuebingen
Classification: Likely benign. Last evaluated: 2025-07-01. Review status: criteria provided, single submitter. Criteria: CeGaT Center For Human Genetics Tuebingen Variant Classification Criteria Version 2. Collection method: clinical testing. Allele origin: germline. Affected: yes. Observed: 1 variant allele.
Comment: TTN: BS2

GeneDx
Classification: Uncertain significance. Last evaluated: 2025-04-14. Review status: criteria provided, single submitter. Criteria: GeneDx Variant Classification Process June 2021. Collection method: clinical testing. Allele origin: germline. Affected: yes.
Comment: Not observed at significant frequency in large population cohorts (gnomAD); Missense variant in a gene in which most reported pathogenic variants are truncating/loss of function; Has not been previously published as pathogenic or benign to our knowledge

NM_001267550.2(TTN):c.38214A>T (p.Glu12738Asp)

Gene: TTN (titin; minus strand). Cytogenetic location: 2q31.2.
Variant type: single nucleotide variant.
Coding change: c.38214A>T on transcript NM_001267550.2 (MANE Select); coding-DNA position 38214, A replaced by T.
Protein change: p.Glu12738Asp; replaces glutamic acid 12738 with aspartic acid.
Molecular consequence: missense variant. On other transcripts: intron variant (4).
Genome position (GRCh38, 1-based): chr2:178,654,527, T>A on the plus strand (A>T on the coding strand, the complement: TTN is on the minus strand). VCF-style: chr2-178654527-T-A. GRCh37 (hg19) VCF-style: chr2-179519254-T-A.
Other names: p.E12738D:GAA>GAT; c.38214A>T (LRG_391t1); c.13283-12210A>T (NM_003319.4); c.13859-12210A>T (NM_133437.4); c.13658-12210A>T (NM_133432.3); c.31742-1986A>T (NM_133378.4); c.34523-1986A>T (NM_001256850.1); short protein forms E12738D.
Identifiers: ClinVar variation 202596 (VCV000202596.12), dbSNP rs794729417, ClinGen allele CA309703.